The following is an entry in ClinVar:

ClinVar aggregate classification (germline): Uncertain significance (1 of 4 stars; one submission).

gnomAD v4.1: 1 of 1,614,124 alleles (0.000062%); no homozygotes.

Submission:

Labcorp Genetics (formerly Invitae), Labcorp
Classification: Uncertain significance. Last evaluated: 2024-12-04. Review status: criteria provided, single submitter. Criteria: Invitae Variant Classification Sherloc (09022015). Collection method: clinical testing. Allele origin: germline.
Comment: This sequence change replaces proline, which is neutral and non-polar, with arginine, which is basic and polar, at codon 612 of the TET2 protein (p.Pro612Arg). This variant is not present in population databases (gnomAD no frequency). This variant has not been reported in the literature in individuals affected with TET2-related conditions. An algorithm developed to predict the effect of missense changes on protein structure and function outputs the following: PolyPhen-2: "Benign". The arginine amino acid residue is found in multiple mammalian species, which suggests that this missense change does not adversely affect protein function. In summary, the available evidence is currently insufficient to determine the role of this variant in disease. Therefore, it has been classified as a Variant of Uncertain Significance.

NM_001127208.3(TET2):c.1835C>G (p.Pro612Arg)

Genes: TET2 (tet methylcytosine dioxygenase 2; plus strand), TET2-AS1 (TET2 antisense RNA 1; minus strand). Cytogenetic location: 4q24.
Variant type: single nucleotide variant.
Coding change: c.1835C>G on transcript NM_001127208.3 (MANE Select); coding-DNA position 1835, C replaced by G.
Protein change: p.Pro612Arg; replaces proline 612 with arginine.
Molecular consequence: missense variant.
Genome position (GRCh38, 1-based): chr4:105,235,777, C>G. VCF-style: chr4-105235777-C-G. GRCh37 (hg19) VCF-style: chr4-106156934-C-G.
Other names: c.1835C>G, p.Pro612Arg (NM_017628.4); short protein forms P612R.
Identifiers: ClinVar variation 3692930 (VCV003692930.2).